The following is an entry in ClinVar:

ClinVar aggregate classification (germline): Uncertain significance (1 of 4 stars; one submission).

gnomAD v4.1: 3 of 1,549,592 alleles (0.00019%); highest among the groups gnomAD compares: Admixed American, 0.002%; no homozygotes.

Submission:

GeneDx
Classification: Uncertain significance. Last evaluated: 2022-03-15. Review status: criteria provided, single submitter. Criteria: GeneDx Variant Classification Process June 2021. Collection method: clinical testing. Allele origin: germline. Affected: yes.
Comment: Not observed at significant frequency in large population cohorts (gnomAD); In silico analysis supports that this missense variant does not alter protein structure/function; Has not been previously published as pathogenic or benign to our knowledge

NM_001142864.4(PIEZO1):c.2445C>G (p.Phe815Leu)

Genes: PIEZO1 (piezo type mechanosensitive ion channel component 1 (Er blood group); minus strand), HSALR1 (HSP90AB1 associated lncRNA 1; plus strand). Cytogenetic location: 16q24.3.
Variant type: single nucleotide variant.
Coding change: c.2445C>G on transcript NM_001142864.4 (MANE Select); coding-DNA position 2445, C replaced by G.
Protein change: p.Phe815Leu; replaces phenylalanine 815 with leucine.
Molecular consequence: missense variant.
Genome position (GRCh38, 1-based): chr16:88,733,630, G>C on the plus strand (C>G on the coding strand, the complement: PIEZO1 is on the minus strand). VCF-style: chr16-88733630-G-C. GRCh37 (hg19) VCF-style: chr16-88800038-G-C.
Other names: c.987C>G, p.Phe329Leu (NM_014745.1); short protein forms F329L, F815L.
Identifiers: ClinVar variation 1706096 (VCV001706096.2), dbSNP rs2507905429, ClinGen allele CA397112150.
Genomic context (GRCh38, chr16:88,733,630, plus strand): 5'-GTTGCCTGCCACACTCACCTCCTTCAGGGCCACCCAGACGGTGTACAGGGCCACCAGCTT[G>C]AAAACGTGAAGCTCCAGCAGCCGCCGCAGGAACACCTGCACGCGTGAGAGGACGTCCGAG-3'
Protein context (NP_001136336.2, residues 805-825): FLRRLLELHV[Phe815Leu]KLVALYTVWV